The following is an entry in ClinVar:

ClinVar aggregate classification (germline): Uncertain significance (1 of 4 stars; one submission).

Allele frequency attached by ClinVar (database versions not stated): gnomAD exomes below 0.00001; TOPMed below 0.00001; ExAC 0.00001.
gnomAD v4.1: 1 of 1,612,426 alleles (0.000062%); highest among the groups gnomAD compares: Admixed American, 0.0017%; no homozygotes.

Submission:

Labcorp Genetics (formerly Invitae), Labcorp
Classification: Uncertain significance. Last evaluated: 2023-12-23. Review status: criteria provided, single submitter. Criteria: Invitae Variant Classification Sherloc (09022015). Collection method: clinical testing. Allele origin: germline.
Comment: This sequence change affects codon 334 of the GUF1 mRNA. It is a 'silent' change, meaning that it does not change the encoded amino acid sequence of the GUF1 protein. This variant is present in population databases (rs760164245, gnomAD 0.006%). This variant has not been reported in the literature in individuals affected with GUF1-related conditions. Algorithms developed to predict the effect of sequence changes on RNA splicing suggest that this variant may disrupt the consensus splice site. In summary, the available evidence is currently insufficient to determine the role of this variant in disease. Therefore, it has been classified as a Variant of Uncertain Significance.

NM_021927.3(GUF1):c.1002A>T (p.Gly334=)

Gene: GUF1 (GTP binding elongation factor GUF1; plus strand). Cytogenetic location: 4p12.
Variant type: single nucleotide variant.
Coding change: c.1002A>T on transcript NM_021927.3 (MANE Select); coding-DNA position 1002, A replaced by T.
Protein change: p.Gly334=; no amino-acid change (glycine 334 retained).
Molecular consequence: synonymous variant.
Genome position (GRCh38, 1-based): chr4:44,688,070, A>T. VCF-style: chr4-44688070-A-T. GRCh37 (hg19) VCF-style: chr4-44690087-A-T.
Other names: c.30A>T, p.Gly10= (NM_001345867.2, NM_001345869.2); c.1002A>T, p.Gly334= (NM_001345868.2).
Identifiers: ClinVar variation 3006675 (VCV003006675.3), dbSNP rs760164245, ClinGen allele CA2905504.